The following is an entry in ClinVar:

NM_000545.8(HNF1A):c.1129del (p.Leu377fs)

Gene: HNF1A (HNF1 homeobox A; plus strand). Cytogenetic location: 12q24.31.
Variant type: Deletion.
Coding change: c.1129del on transcript NM_000545.8 (MANE Select); coding-DNA position 1129, one base deleted (C; older notation c.1129delC).
Protein change: p.Leu377fs; shifts the reading frame from leucine 377.
Molecular consequence: frameshift variant.
Genome position (GRCh38, 1-based): chr12:120,996,562, C deleted; the last of 5 consecutive C bases (chr12:120,996,558-120,996,562); deleting any one gives the same sequence. VCF-style (leftmost placement, unchanged base first): chr12-120996557-GC-G. GRCh37 (hg19) VCF-style: chr12-121434360-GC-G.
Other names: NM_000545.6(HNF1A):c.1129del; p.Leu377fs; c.1129del, p.Leu377fs (NM_001306179.2); c.1129del (NM_000545.5); c.1129delC (NM_000545.8); short protein forms L377fs.
Identifiers: ClinVar variation 36796 (VCV000036796.14), dbSNP rs193922576, ClinGen allele CA214257.

ClinVar aggregate classification (germline): Pathogenic. Review status: reviewed by expert panel (3 of 4 stars). 5 submissions from 5 submitters: Pathogenic (1). 4 of the submissions do not count toward it. Last evaluated 2021-12-31.

Conditions:
Monogenic diabetes. Identifiers: Orphanet 183625, MedGen C3888631, MONDO:0015967.
Maturity-onset diabetes of the young (MODY). Also called: Maturity onset diabetes mellitus in young. Identifiers: Orphanet 552, MedGen C0342276, MONDO:0018911, HP:0004904.

Submissions (5):

ClinGen Monogenic Diabetes Variant Curation Expert Panel
Classification: Pathogenic for Monogenic diabetes. Last evaluated: 2021-12-31. Review status: reviewed by expert panel. Criteria: ClinGen Diabetes ACMG Specifications v1 1. Collection method: curation. Allele origin: germline. Inheritance: Autosomal dominant inheritance.
Comment: The c.1129delC variant in the HNF1 homeobox A gene, HNF1A, causes a frameshift in the protein at codon 377 (NM_000545.8), adding 7 novel amino acids before encountering a stop codon (p.(Leu377SerfsTer7)). This variant, located in biologically-relevant exon 6 of 10, is predicted to lead to nonsense mediated decay in a gene in which loss-of-function is an established disease mechanism (PVS1; PMID: 23348805). This variant is absent from gnomAD v2.1.1 (PM2_Supporting). Also, this variant was identified in an individual with a clinical history highly specific for HNF1A-MODY (MODY probability calculator result >50%, negative genetic testing for HNF4A) (PP4; internal lab contributors). In summary, c.1129delC meets the criteria to be classified as pathogenic for monogenic diabetes. ACMG/AMP criteria applied, as specified by the ClinGen MDEP VCEP (specification version 1.1, approved 6/4/2021): PVS1, PP4, PM2_Supporting

Women's Health and Genetics/Laboratory Corporation of America, LabCorp
Classification: Pathogenic for Maturity-onset diabetes of the young. Last evaluated: 2025-12-09. Review status: criteria provided, single submitter. Criteria: LabCorp Variant Classification Summary - May 2015. Collection method: clinical testing. Allele origin: germline. Not counted in ClinVar's aggregate classification.
Comment: Variant summary: HNF1A c.1129delC (p.Leu377SerfsX7) results in a premature termination codon, predicted to cause a truncation of the encoded protein or absence of the protein due to nonsense mediated decay, which are commonly known mechanisms for disease. The variant was absent in 249600 control chromosomes. c.1129delC has been observed in individual(s) affected with Maturity Onset Diabetes Of The Young (example: Colclough_2013). The following publication has been ascertained in the context of this evaluation (PMID: 23348805). ClinVar contains an entry for this variant (Variation ID: 36796). Based on the evidence outlined above, the variant was classified as pathogenic.

GeneDx
Classification: Pathogenic. Last evaluated: 2025-07-30. Review status: criteria provided, single submitter. Criteria: GeneDx Variant Classification Process June 2021. Collection method: clinical testing. Allele origin: germline. Affected: yes. Not counted in ClinVar's aggregate classification.
Comment: Identified in a patients with clinical findings consistent with HNF1A-related MODY in published literature (PMID: 30455330, 35472491); Frameshift variant predicted to result in protein truncation or nonsense mediated decay in a gene for which loss of function is a known mechanism of disease; Not observed at significant frequency in large population cohorts (gnomAD); This variant is associated with the following publications: (PMID: 23348805, 30455330, 35472491, 36257325)

Labcorp Genetics (formerly Invitae), Labcorp
Classification: Pathogenic. Last evaluated: 2020-12-10. Review status: criteria provided, single submitter. Criteria: Invitae Variant Classification Sherloc (09022015). Collection method: clinical testing. Allele origin: germline. Not counted in ClinVar's aggregate classification.
Comment: For these reasons, this variant has been classified as Pathogenic. This variant has been observed in individual(s) with maturity-onset diabetes of the young (PMID: 23348805). ClinVar contains an entry for this variant (Variation ID: 36796). This variant is not present in population databases (ExAC no frequency). This sequence change creates a premature translational stop signal (p.Leu377Serfs*7) in the HNF1A gene. It is expected to result in an absent or disrupted protein product. Loss-of-function variants in HNF1A are known to be pathogenic (PMID: 15928245, 18003757).

Clinical Genomics, Uppaluri K&H Personalized Medicine Clinic
Classification: Likely pathogenic for Maturity-onset diabetes of the young. Review status: criteria provided, single submitter. Criteria: K & H Uppaluri Personalized Medicine Clinic Variant Classification & Assertion Criteria_Updated V.1. Collection method: research. Allele origin: unknown. Inheritance: Autosomal dominant inheritance. Not counted in ClinVar's aggregate classification.
Comment: Mutations in HNF1A gene can predispose to MODY3. It is associated with both micro and macrovascular complications of diabetes, especially cardiovascular complications. Associated with glucosuria. May respond well to sulfonylureas. However, more evidence is required to confer the association of this particular variant rs193922576 with MODY3.

Literature cited by the submitters: PubMed 23348805 (cited by Women's Health and Genetics/Laboratory Corporation of America, LabCorp and Labcorp Genetics (formerly Invitae), Labcorp); PubMed 15928245 (cited by Labcorp Genetics (formerly Invitae), Labcorp); PubMed 18003757 (cited by Labcorp Genetics (formerly Invitae), Labcorp); PubMed 31517624 (cited by Clinical Genomics, Uppaluri K&H Personalized Medicine Clinic); PubMed 32395877 (cited by Clinical Genomics, Uppaluri K&H Personalized Medicine Clinic); PubMed 35328643 (cited by Clinical Genomics, Uppaluri K&H Personalized Medicine Clinic).